The following is an entry in ClinVar:

ClinVar aggregate classification (germline): Likely benign (1 of 4 stars; one submission).

Conditions:
Deficiency of phosphoserine phosphatase (PSPHD). Also called: Phosphoserine phosphatase deficiency; PSPH deficiency. Identifiers: Orphanet 79350, MedGen C1291463, MONDO:0013531, OMIM 614023.

Allele frequency attached by ClinVar (database versions not stated): gnomAD exomes 0.00020; 1000 Genomes Project 30x 0.00281; 1000 Genomes Project 0.00300; gnomAD 0.00526; TOPMed 0.00601.
gnomAD v4.1: 771 of 157,616 alleles (0.49%); highest among the groups gnomAD compares: African/African-American, 1.8%; 4 homozygotes.

Submission:

Illumina Laboratory Services, Illumina
Classification: Likely benign for Deficiency of phosphoserine phosphatase. Last evaluated: 2018-01-13. Review status: criteria provided, single submitter. Criteria: ICSL Variant Classification Criteria 13 December 2019. Collection method: clinical testing. Allele origin: germline.
Comment: This variant was observed in the ICSL laboratory as part of a predisposition screen in an ostensibly healthy population. It had not been previously curated by ICSL or reported in the Human Gene Mutation Database (HGMD: prior to June 1st, 2018), and was therefore a candidate for classification through an automated scoring system. Utilizing variant allele frequency, disease prevalence and penetrance estimates, and inheritance mode, an automated score was calculated to assess if this variant is too frequent to cause the disease. Based on the score and internal cut-off values, a variant classified as likely benign is not then subjected to further curation. The score for this variant resulted in a classification of likely benign for this disease.

NM_004577.4(PSPH):c.-442A>G

Gene: PSPH (phosphoserine phosphatase; minus strand). Cytogenetic location: 7p11.2.
Variant type: single nucleotide variant.
Coding change: c.-442A>G on transcript NM_004577.4 (MANE Select); 442 bases upstream of the start codon, A replaced by G.
Molecular consequence: 5 prime UTR variant. On other transcripts: intron variant (2).
Genome position (GRCh38, 1-based): chr7:56,051,288, T>C on the plus strand (A>G on the coding strand, the complement: PSPH is on the minus strand). VCF-style: chr7-56051288-T-C. GRCh37 (hg19) VCF-style: chr7-56118981-T-C.
Other names: c.-490A>G (NM_001370503.1); c.-439A>G (NM_001370504.1); c.-604A>G (NM_001370505.1, NM_001370507.1); c.-556A>G (NM_001370506.1, NM_001370522.1); c.-718A>G (NM_001370508.1); c.-280A>G (NM_001370509.1); c.-296A>G (NM_001370510.1); c.-549A>G (NM_001370511.1); and 10 more.
Identifiers: ClinVar variation 360527 (VCV000360527.5), dbSNP rs184427284, ClinGen allele CA10624156.
Genomic context (GRCh38, chr7:56,051,288, plus strand): 5'-AGAGCCCTACGGACGGGCAGGTTCTTACGTCTCAACTCCCATCGCACCAGTCCTGCAGCT[T>C]TCTAAAGGTATCCAGCACTTTCTACCTTGCATTCTATCTTCATCTTCGCTAGGCCTCACA-3'